The following is an entry in ClinVar:

NM_012082.4(ZFPM2):c.2389A>C (p.Lys797Gln)

Genes: ZFPM2 (zinc finger protein, FOG family member 2; plus strand), ZFPM2-AS1 (ZFPM2 antisense RNA 1; minus strand), LOC126860469 (BRD4-independent group 4 enhancer GRCh37_chr8:106814445-106815644; plus strand). Cytogenetic location: 8q23.1.
Variant type: single nucleotide variant.
Coding change: c.2389A>C on transcript NM_012082.4 (MANE Select); coding-DNA position 2389, A replaced by C.
Protein change: p.Lys797Gln; replaces lysine 797 with glutamine.
Molecular consequence: missense variant.
Genome position (GRCh38, 1-based): chr8:105,802,471, A>C. VCF-style: chr8-105802471-A-C. GRCh37 (hg19) VCF-style: chr8-106814699-A-C.
Other names: c.2230A>C, p.Lys744Gln (NM_001362836.2); c.1993A>C, p.Lys665Gln (NM_001362837.2); short protein forms K665Q, K744Q, K797Q.
Identifiers: ClinVar variation 4074326 (VCV004074326.1).

ClinVar aggregate classification (germline): Uncertain significance (1 of 4 stars; one submission).

Submission:

GeneDx
Classification: Uncertain significance. Last evaluated: 2025-02-10. Review status: criteria provided, single submitter. Criteria: GeneDx Variant Classification Process June 2021. Collection method: clinical testing. Allele origin: germline. Affected: yes.
Comment: Not observed at significant frequency in large population cohorts (gnomAD); In silico analysis indicates that this missense variant does not alter protein structure/function; Has not been previously published as pathogenic or benign to our knowledge